The following is an entry in ClinVar:

NM_000051.4(ATM):c.7462T>C (p.Cys2488Arg)

Genes: ATM (ATM serine/threonine kinase; plus strand), C11orf65 (chromosome 11 open reading frame 65; minus strand). Cytogenetic location: 11q22.3.
Variant type: single nucleotide variant.
Coding change: c.7462T>C on transcript NM_000051.4 (MANE Select); coding-DNA position 7462, T replaced by C.
Protein change: p.Cys2488Arg; replaces cysteine 2488 with arginine.
Molecular consequence: missense variant. On other transcripts: intron variant (2).
Genome position (GRCh38, 1-based): chr11:108,330,368, T>C. VCF-style: chr11-108330368-T-C. GRCh37 (hg19) VCF-style: chr11-108201095-T-C.
Other names: c.7462T>C, p.Cys2488Arg (NM_001351834.2); c.641-21297A>G (NM_001330368.2); c.*38+4852A>G (NM_001351110.2); short protein forms C2488R.
Identifiers: ClinVar variation 453686 (VCV000453686.14), dbSNP rs1555123216, ClinGen allele CA382560398.

ClinVar aggregate classification (germline): Uncertain significance. Review status: criteria provided, multiple submitters, no conflicts (2 of 4 stars). 3 submissions from 3 submitters: Uncertain significance (3). Last evaluated 2024-03-15.

Conditions:
Hereditary cancer-predisposing syndrome. Also called: Neoplastic Syndromes, Hereditary; Hereditary Cancer Syndrome; Tumor predisposition; Hereditary neoplastic syndrome. Identifiers: Orphanet 140162, MedGen C0027672, MeSH D009386, MONDO:0015356.
Ataxia-telangiectasia syndrome (AT). Also called: LOUIS-BAR SYNDROME; Cerebello-oculocutaneous telangiectasia; Immunodeficiency with ataxia telangiectasia; Ataxia-telangiectasia, complementation group D; AT, COMPLEMENTATION GROUP C; Ataxia-telangiectasia, complementation group E. Identifiers: Orphanet 100, MedGen C0004135, MONDO:0008840, OMIM 208900.

Submissions (3):

Ambry Genetics
Classification: Uncertain significance for Hereditary cancer-predisposing syndrome. Last evaluated: 2024-03-15. Review status: criteria provided, single submitter. Criteria: Ambry Variant Classification Scheme 2023. Collection method: clinical testing. Allele origin: germline.
Comment: The p.C2488R variant (also known as c.7462T>C), located in coding exon 49 of the ATM gene, results from a T to C substitution at nucleotide position 7462. The cysteine at codon 2488 is replaced by arginine, an amino acid with highly dissimilar properties. This alteration has been identified in individuals diagnosed with ataxia telangiectasia (Cavaciuti E et al. Genes Chromosomes Cancer, 2005 Jan;42:1-9; Jacquemin V et al. Eur J Hum Genet, 2012 Mar;20:305-12). This alteration was also identified in an individual diagnosed with breast cancer (Bonache S et al. J Cancer Res Clin Oncol, 2018 Dec;144:2495-2513). This amino acid position is well conserved in available vertebrate species. In addition, this alteration is predicted to be deleterious by in silico analysis. Based on the available evidence, the clinical significance of this alteration remains unclear.

Labcorp Genetics (formerly Invitae), Labcorp
Classification: Uncertain significance for Ataxia-telangiectasia syndrome. Last evaluated: 2023-03-09. Review status: criteria provided, single submitter. Criteria: Invitae Variant Classification Sherloc (09022015). Collection method: clinical testing. Allele origin: germline.
Comment: This sequence change replaces cysteine, which is neutral and slightly polar, with arginine, which is basic and polar, at codon 2488 of the ATM protein (p.Cys2488Arg). This variant is not present in population databases (gnomAD no frequency). This missense change has been observed in individual(s) with clinical features of ATM-related conditions (PMID: 15390180, 22071889, 30306255). ClinVar contains an entry for this variant (Variation ID: 453686). An algorithm developed to predict the effect of missense changes on protein structure and function (PolyPhen-2) suggests that this variant is likely to be disruptive. Algorithms developed to predict the effect of sequence changes on RNA splicing suggest that this variant may disrupt the consensus splice site. In summary, the available evidence is currently insufficient to determine the role of this variant in disease. Therefore, it has been classified as a Variant of Uncertain Significance.

Women's Health and Genetics/Laboratory Corporation of America, LabCorp
Classification: Uncertain significance. Last evaluated: 2022-05-13. Review status: criteria provided, single submitter. Criteria: LabCorp Variant Classification Summary - May 2015. Collection method: clinical testing. Allele origin: germline.
Comment: Variant summary: ATM c.7462T>C (p.Cys2488Arg) results in a non-conservative amino acid change located in the PIK-related kinase, FAT domain of the encoded protein sequence. Four of five in-silico tools predict a damaging effect of the variant on protein function. The variant was absent in 251290 control chromosomes. c.7462T>C has been reported in the literature as a compound heterozgous mutation along with a pathogenic variant (c.138_141del4, p.His46Glnfs*9) in an individual affected with Ataxia-Telangiectasia (Micol_2011). It has also been reported in individuals with breast cancer and CLL (Bonache_2018, Tavtigian_2009, Navrkalova_2013). At least one publication reports experimental evidence evaluating an impact on protein function. In a functional study, ATM protein expression was markedly decreased and nuclear localization was significantly impaired in comparison to cells with wild-type ATM, however the variant was not tested in isolation (Jacquemin_2012). One clinical diagnostic laboratory has submitted clinical-significance assessments for this variant to ClinVar after 2014 without evidence for independent evaluation and classified the variant as uncertain significance. Based on the evidence outlined above, the variant was classified as VUS.

Literature cited by the submitters: PubMed 15390180 (cited by 3 submitters); PubMed 22071889 (cited by 3 submitters); PubMed 30306255 (cited by 3 submitters); PubMed 19781682 (cited by Women's Health and Genetics/Laboratory Corporation of America, LabCorp); PubMed 23585524 (cited by Women's Health and Genetics/Laboratory Corporation of America, LabCorp); PubMed 21665257 (cited by Women's Health and Genetics/Laboratory Corporation of America, LabCorp).